The following is an entry in ClinVar:

ClinVar aggregate classification (germline): Uncertain significance (1 of 4 stars; one submission).

Conditions:
Hypertrophic cardiomyopathy. Also called: HYPERTROPHIC MYOCARDIOPATHY. Identifiers: Orphanet 217569, MedGen C0007194, MeSH D002312, MONDO:0005045, HP:0001639.

Submission:

Labcorp Genetics (formerly Invitae), Labcorp
Classification: Uncertain significance for Hypertrophic cardiomyopathy. Last evaluated: 2021-04-09. Review status: criteria provided, single submitter. Criteria: Invitae Variant Classification Sherloc (09022015). Collection method: clinical testing. Allele origin: germline.
Comment: In summary, the available evidence is currently insufficient to determine the role of this variant in disease. Therefore, it has been classified as a Variant of Uncertain Significance. Algorithms developed to predict the effect of missense changes on protein structure and function are either unavailable or do not agree on the potential impact of this missense change (SIFT: "Deleterious"; PolyPhen-2: "Benign"; Align-GVGD: "Class C0"). This variant has not been reported in the literature in individuals with JPH2-related conditions. The frequency data for this variant in the population databases is considered unreliable, as metrics indicate insufficient coverage at this position in the ExAC database. This sequence change replaces serine with glycine at codon 203 of the JPH2 protein (p.Ser203Gly). The serine residue is moderately conserved and there is a small physicochemical difference between serine and glycine.

NM_020433.5(JPH2):c.607A>G (p.Ser203Gly)

Gene: JPH2 (junctophilin 2; minus strand). Cytogenetic location: 20q13.12.
Variant type: single nucleotide variant.
Coding change: c.607A>G on transcript NM_020433.5 (MANE Select); coding-DNA position 607, A replaced by G.
Protein change: p.Ser203Gly; replaces serine 203 with glycine.
Molecular consequence: missense variant.
Genome position (GRCh38, 1-based): chr20:44,160,180, T>C on the plus strand (A>G on the coding strand, the complement: JPH2 is on the minus strand). VCF-style: chr20-44160180-T-C. GRCh37 (hg19) VCF-style: chr20-42788820-T-C.
Other names: short protein forms S203G.
Identifiers: ClinVar variation 1524370 (VCV001524370.8), dbSNP rs2145879448, ClinGen allele CA409094045.